The following is an entry in ClinVar:

NM_015021.3(ZNF292):c.7032_7034del (p.Lys2344del)

Gene: ZNF292 (zinc finger protein 292; plus strand). Cytogenetic location: 6q14.3.
Variant type: Deletion.
Coding change: c.7032_7034del on transcript NM_015021.3 (MANE Select); coding-DNA positions 7032 to 7034, 3 bases deleted (GAA; older notation c.7032_7034delGAA).
Protein change: p.Lys2344del; deletes lysine 2344.
Molecular consequence: inframe deletion.
Genome position (GRCh38, 1-based): chr6:87,260,661-87,260,663, GAA deleted; deleting any 3 consecutive bases within chr6:87,260,659-87,260,663 gives the same sequence; the c. name uses the placement nearest the transcript's 3' end. VCF-style (leftmost placement, unchanged base first): chr6-87260658-CAAG-C. GRCh37 (hg19) VCF-style: chr6-87970376-CAAG-C.
Other names: c.6612_6614del, p.Lys2204del (NM_001351444.2); short protein forms K2204del, K2344del.
Identifiers: ClinVar variation 3025841 (VCV003025841.22), dbSNP rs1216193398, ClinGen allele CA569076593.

ClinVar aggregate classification (germline): Uncertain significance (1 of 4 stars; one submission).

Submission:

CeGaT Center for Human Genetics Tuebingen
Classification: Uncertain significance. Last evaluated: 2024-01-01. Review status: criteria provided, single submitter. Criteria: CeGaT Center For Human Genetics Tuebingen Variant Classification Criteria Version 2. Collection method: clinical testing. Allele origin: germline. Affected: yes. Observed: 1 variant allele.
Comment: ZNF292: PM4:Supporting